The following is an entry in ClinVar:

NM_004113.6(FGF12):c.135T>G (p.Asn45Lys)

Gene: FGF12 (fibroblast growth factor 12; minus strand). Cytogenetic location: 3q28.
Variant type: single nucleotide variant.
Coding change: c.135T>G on transcript NM_004113.6 (MANE Select); coding-DNA position 135, T replaced by G.
Protein change: p.Asn45Lys; replaces asparagine 45 with lysine.
Molecular consequence: missense variant.
Genome position (GRCh38, 1-based): chr3:192,335,454, A>C on the plus strand (T>G on the coding strand, the complement: FGF12 is on the minus strand). VCF-style: chr3-192335454-A-C. GRCh37 (hg19) VCF-style: chr3-192053243-A-C.
Other names: c.24T>G, p.Asn8Lys (NM_001377292.1); c.63T>G, p.Asn21Lys (NM_001377293.1, NM_001377294.1); c.321T>G, p.Asn107Lys (NM_021032.5); short protein forms N107K, N21K, N45K, N8K.
Identifiers: ClinVar variation 4070802 (VCV004070802.1).
Genomic context (GRCh38, chr3:192,335,454, plus strand): 5'-CACATAGAGGCTAGCCTTCACTCCTTGGATGGCCACTACACGCAGGCCCACGGGAATTAG[A>C]TTGAAGAGAGCTGGGGGGAGAAAAAGAAGGGCGGAAAGGATCAGTGACCTTTTGAATAAA-3'
Protein context (NP_004104.3, residues 35-55): KDENSDYTLF[Asn45Lys]LIPVGLRVVA

ClinVar aggregate classification (germline): Uncertain significance (1 of 4 stars; one submission).

Submission:

GeneDx
Classification: Uncertain significance. Last evaluated: 2025-01-18. Review status: criteria provided, single submitter. Criteria: GeneDx Variant Classification Process June 2021. Collection method: clinical testing. Allele origin: germline. Affected: yes.
Comment: Not observed at significant frequency in large population cohorts (gnomAD); In silico analysis supports that this missense variant has a deleterious effect on protein structure/function; Has not been previously published as pathogenic or benign to our knowledge